The following is an entry in ClinVar:

ClinVar aggregate classification (germline): Likely benign (1 of 4 stars; one submission).

gnomAD v4.1: 9 of 1,614,010 alleles (0.00056%); highest among the groups gnomAD compares: South Asian, 0.0088%; no homozygotes.

Submission:

CeGaT Center for Human Genetics Tuebingen
Classification: Likely benign. Last evaluated: 2026-07-01. Review status: criteria provided, single submitter. Criteria: CeGaT Center For Human Genetics Tuebingen Variant Classification Criteria Version 2. Collection method: clinical testing. Allele origin: germline. Affected: yes. Observed: 1 variant allele.
Comment: CUL7: BP4

NM_014780.5(CUL7):c.481A>T (p.Arg161Trp)

Gene: CUL7 (cullin 7; minus strand). Cytogenetic location: 6p21.1.
Variant type: single nucleotide variant.
Coding change: c.481A>T on transcript NM_014780.5 (MANE Select); coding-DNA position 481, A replaced by T.
Protein change: p.Arg161Trp; replaces arginine 161 with tryptophan.
Molecular consequence: missense variant.
Genome position (GRCh38, 1-based): chr6:43,052,308, T>A on the plus strand (A>T on the coding strand, the complement: CUL7 is on the minus strand). VCF-style: chr6-43052308-T-A. GRCh37 (hg19) VCF-style: chr6-43020046-T-A.
Other names: c.481A>T, p.Arg161Trp (NM_001168370.2, NM_001374872.1, NM_001374873.1 and 1 more transcripts); short protein forms R161W.
Identifiers: ClinVar variation 5039034 (VCV005039034.1).